The following is an entry in ClinVar:

ClinVar aggregate classification (germline): Likely benign. Review status: criteria provided, multiple submitters, no conflicts (2 of 4 stars). 2 submissions from 2 submitters: Likely benign (2). Last evaluated 2025-05-21.

Allele frequency attached by ClinVar (database versions not stated): gnomAD 0.00002 and 0.00003; TOPMed 0.00003; ExAC 0.00009; gnomAD exomes 0.00010; ESP Exome Variant Server 0.00019.
gnomAD v4.1: 44 of 1,208,793 alleles (0.0036%); highest among the groups gnomAD compares: South Asian, 0.041%; no homozygotes.

Submissions (2):

Labcorp Genetics (formerly Invitae), Labcorp
Classification: Likely benign. Last evaluated: 2025-05-21. Review status: criteria provided, single submitter. Criteria: Invitae Variant Classification Sherloc (09022015). Collection method: clinical testing. Allele origin: germline.

CeGaT Center for Human Genetics Tuebingen
Classification: Likely benign. Last evaluated: 2024-02-01. Review status: criteria provided, single submitter. Criteria: CeGaT Center For Human Genetics Tuebingen Variant Classification Criteria Version 2. Collection method: clinical testing. Allele origin: germline. Affected: yes. Observed: 1 variant allele.
Comment: SH3KBP1: BP4, BP7, BS2

NM_031892.3(SH3KBP1):c.1710G>A (p.Ala570=)

Gene: SH3KBP1 (SH3 domain containing kinase binding protein 1; minus strand). Cytogenetic location: Xp22.12.
Variant type: single nucleotide variant.
Coding change: c.1710G>A on transcript NM_031892.3 (MANE Select); coding-DNA position 1710, G replaced by A.
Protein change: p.Ala570=; no amino-acid change (alanine 570 retained).
Molecular consequence: synonymous variant.
Genome position (GRCh38, 1-based): chrX:19,542,107, C>T on the plus strand (G>A on the coding strand, the complement: SH3KBP1 is on the minus strand). VCF-style: chrX-19542107-C-T. GRCh37 (hg19) VCF-style: chrX-19560225-C-T.
Other names: c.1599G>A, p.Ala533= (NM_001024666.3); c.996G>A, p.Ala332= (NM_001184960.2); c.1581G>A, p.Ala527= (NM_001353890.2); c.1785G>A, p.Ala595= (NM_001353891.2); c.1656G>A, p.Ala552= (NM_001353892.2); c.1608G>A, p.Ala536= (NM_001353893.2); c.1479G>A, p.Ala493= (NM_001353894.2); c.1536G>A, p.Ala512= (NM_001353895.2); and 1 more.
Identifiers: ClinVar variation 1591573 (VCV001591573.30), dbSNP rs143070322, ClinGen allele CA10364463.